The following is an entry in ClinVar:

ClinVar aggregate classification (germline): Uncertain significance (1 of 4 stars; one submission).

Submission:

Labcorp Genetics (formerly Invitae), Labcorp
Classification: Uncertain significance. Last evaluated: 2025-09-01. Review status: criteria provided, single submitter. Criteria: Invitae Variant Classification Sherloc (09022015). Collection method: clinical testing. Allele origin: germline.
Comment: This sequence change replaces alanine, which is neutral and non-polar, with threonine, which is neutral and polar, at codon 19 of the TSR2 protein (p.Ala19Thr). This variant is present in population databases (no rsID available, gnomAD 0.01%). This variant has not been reported in the literature in individuals affected with TSR2-related conditions. An algorithm developed to predict the effect of missense changes on protein structure and function (PolyPhen-2) suggests that this variant is likely to be tolerated. In summary, the available evidence is currently insufficient to determine the role of this variant in disease. Therefore, it has been classified as a Variant of Uncertain Significance.

NM_058163.3(TSR2):c.55G>A (p.Ala19Thr)

Gene: TSR2 (TSR2 ribosome maturation factor; plus strand). Cytogenetic location: Xp11.22.
Variant type: single nucleotide variant.
Coding change: c.55G>A on transcript NM_058163.3 (MANE Select); coding-DNA position 55, G replaced by A.
Protein change: p.Ala19Thr; replaces alanine 19 with threonine.
Molecular consequence: missense variant. On other transcripts: 5 prime UTR variant (3).
Genome position (GRCh38, 1-based): chrX:54,440,476, G>A. VCF-style: chrX-54440476-G-A. GRCh37 (hg19) VCF-style: chrX-54466909-G-A.
Other names: c.55G>A, p.Ala19Thr (NM_001346789.2); c.-333G>A (NM_001346790.2); c.-342G>A (NM_001346791.2); c.-140G>A (NM_001346792.2); short protein forms A19T.
Identifiers: ClinVar variation 4752804 (VCV004752804.1).